The following is an entry in ClinVar:

NM_004946.3(DOCK2):c.3542T>A (p.Leu1181His)

Gene: DOCK2 (dedicator of cytokinesis 2; plus strand). Cytogenetic location: 5q35.1.
Variant type: single nucleotide variant.
Coding change: c.3542T>A on transcript NM_004946.3 (MANE Select); coding-DNA position 3542, T replaced by A.
Protein change: p.Leu1181His; replaces leucine 1181 with histidine.
Molecular consequence: missense variant. On other transcripts: non-coding transcript variant (1).
Genome position (GRCh38, 1-based): chr5:170,034,473, T>A. VCF-style: chr5-170034473-T-A. GRCh37 (hg19) VCF-style: chr5-169461477-T-A.
Other names: short protein forms L1181H.
Identifiers: ClinVar variation 2007851 (VCV002007851.4), dbSNP rs2532440554, ClinGen allele CA362107184.
Genomic context (GRCh38, chr5:170,034,473, plus strand): 5'-CTGCAGAGCACCCAACCATTGCCAAGTCGGTGGAGAACTTCGTGAACCTGGTCAAAGGCC[T>A]CCTGGAGAAGCTGCTGGATTACCGGGGTGTGATGACAGATGAGAGCAAAGACAACCGCAT-3'
Protein context (NP_004937.1, residues 1171-1191): VENFVNLVKG[Leu1181His]LEKLLDYRGV

ClinVar aggregate classification (germline): Uncertain significance (1 of 4 stars; one submission).

Conditions:
DOCK2 deficiency. Also called: Immunodeficiency 40. Identifiers: Orphanet 447737, MedGen C4225328, MONDO:0014637, OMIM 616433.

Submission:

Labcorp Genetics (formerly Invitae), Labcorp
Classification: Uncertain significance for DOCK2 deficiency. Last evaluated: 2025-12-08. Review status: criteria provided, single submitter. Criteria: Invitae Variant Classification Sherloc (09022015). Collection method: clinical testing. Allele origin: germline.
Comment: This sequence change replaces leucine, which is neutral and non-polar, with histidine, which is basic and polar, at codon 1181 of the DOCK2 protein (p.Leu1181His). This variant is not present in population databases (gnomAD no frequency). This variant has not been reported in the literature in individuals affected with DOCK2-related conditions. ClinVar contains an entry for this variant (Variation ID: 2007851). An algorithm developed to predict the effect of missense changes on protein structure and function (PolyPhen-2) suggests that this variant is likely to be disruptive. In summary, the available evidence is currently insufficient to determine the role of this variant in disease. Therefore, it has been classified as a Variant of Uncertain Significance.